The following is an entry in ClinVar:

NM_003742.4(ABCB11):c.1062T>C (p.Tyr354=)

Gene: ABCB11 (ATP binding cassette subfamily B member 11; minus strand). Cytogenetic location: 2q31.1.
Variant type: single nucleotide variant.
Coding change: c.1062T>C on transcript NM_003742.4 (MANE Select); coding-DNA position 1062, T replaced by C.
Protein change: p.Tyr354=; no amino-acid change (tyrosine 354 retained).
Molecular consequence: synonymous variant.
Genome position (GRCh38, 1-based): chr2:168,986,131, A>G on the plus strand (T>C on the coding strand, the complement: ABCB11 is on the minus strand). VCF-style: chr2-168986131-A-G. GRCh37 (hg19) VCF-style: chr2-169842641-A-G.
Other names: c.1062T>C, p.Tyr354= (LRG_1199t1).
Identifiers: ClinVar variation 515742 (VCV000515742.17), dbSNP rs376258647, ClinGen allele CA1951725.

ClinVar aggregate classification (germline): Conflicting classifications of pathogenicity. Review status: criteria provided, conflicting classifications (1 of 4 stars). 6 submissions from 6 submitters: Uncertain significance (1); Likely benign (4). 1 of the submissions does not count toward it. Last evaluated 2026-04-14.

Conditions:
ABCB11-related disorder. Also called: ABCB11-related condition.
Familial intrahepatic cholestasis. Identifiers: Orphanet 284385, MedGen CN296401, MONDO:0017290.
Progressive familial intrahepatic cholestasis type 2. Identifiers: Orphanet 79304, MedGen C3489789, MONDO:0011156, OMIM 601847.

Allele frequency attached by ClinVar (database versions not stated): ESP Exome Variant Server 0.00008; TOPMed 0.00008; gnomAD exomes 0.00011 and 0.00015; ExAC 0.00014; gnomAD 0.00014.
gnomAD v4.1: 174 of 1,611,298 alleles (0.011%); highest among the groups gnomAD compares: Non-Finnish European, 0.012%; 1 homozygote.

Submissions (6):

Genomenon, Inc
Classification: Likely benign for Familial intrahepatic cholestasis. Last evaluated: 2026-04-14. Review status: criteria provided, single submitter. Criteria: Genomenon Sequence Variant Interpretation Standards - Updated. Collection method: curation. Allele origin: germline. Affected: no.
Comment: ABCB11 c.1062T>C is a synonymous variant that retains Tyrosine at residue 354. This variant has been reported in the published literature (PMID:21965623;17264802). It is absent or not present at a significant frequency in gnomAD. This synonymous variant is not predicted to impact splicing. In conclusion, we classify ABCB11 p.Tyr354= (c.1062T>C) as a likely benign variant.

Labcorp Genetics (formerly Invitae), Labcorp
Classification: Likely benign. Last evaluated: 2025-07-05. Review status: criteria provided, single submitter. Criteria: Invitae Variant Classification Sherloc (09022015). Collection method: clinical testing. Allele origin: germline.

Blueprint Genetics
Classification: Likely benign. Last evaluated: 2024-10-03. Review status: criteria provided, single submitter. Criteria: ACMG Guidelines, 2015. Collection method: clinical testing. Allele origin: germline.

GeneDx
Classification: Likely benign. Last evaluated: 2018-03-06. Review status: criteria provided, single submitter. Criteria: GeneDx Variant Classification (06012015). Collection method: clinical testing. Allele origin: germline. Affected: yes.
Comment: This variant is considered likely benign or benign based on one or more of the following criteria: it is a conservative change, it occurs at a poorly conserved position in the protein, it is predicted to be benign by multiple in silico algorithms, and/or has population frequency not consistent with disease.

Illumina Laboratory Services, Illumina
Classification: Uncertain significance for Progressive familial intrahepatic cholestasis type 2. Last evaluated: 2017-09-14. Review status: criteria provided, single submitter. Criteria: ICSL Variant Classification Criteria 13 December 2019. Collection method: clinical testing. Allele origin: germline.

PreventionGenetics, part of Exact Sciences
Classification: Likely benign for ABCB11-related condition. Last evaluated: 2023-03-15. Review status: no assertion criteria provided. Collection method: clinical testing. Allele origin: germline. Not counted in ClinVar's aggregate classification.
Comment: This variant is classified as likely benign based on ACMG/AMP sequence variant interpretation guidelines (Richards et al. 2015 PMID: 25741868, with internal and published modifications).

Literature cited by the submitters: PubMed 21965623 (cited by Genomenon, Inc); PubMed 17264802 (cited by Genomenon, Inc).